The following is an entry in ClinVar:

NM_014639.4(SKIC3):c.3511C>T (p.Leu1171Phe)

Gene: SKIC3 (SKI3 subunit of superkiller complex; minus strand). Cytogenetic location: 5q15.
Variant type: single nucleotide variant.
Coding change: c.3511C>T on transcript NM_014639.4 (MANE Select); coding-DNA position 3511, C replaced by T.
Protein change: p.Leu1171Phe; replaces leucine 1171 with phenylalanine.
Molecular consequence: missense variant.
Genome position (GRCh38, 1-based): chr5:95,498,422, G>A on the plus strand (C>T on the coding strand, the complement: SKIC3 is on the minus strand). VCF-style: chr5-95498422-G-A. GRCh37 (hg19) VCF-style: chr5-94834126-G-A.
Other names: c.3511C>T (NM_014639.3); short protein forms L1171F.
Identifiers: ClinVar variation 1468136 (VCV001468136.8), dbSNP rs775085096, ClinGen allele CA3346711.

ClinVar aggregate classification (germline): Uncertain significance. Review status: criteria provided, multiple submitters, no conflicts (2 of 4 stars). 2 submissions from 2 submitters: Uncertain significance (2). Last evaluated 2025-03-01.

Conditions:
Inborn genetic diseases. Identifiers: MedGen C0950123, MeSH D030342.

Allele frequency attached by ClinVar (database versions not stated): gnomAD exomes below 0.00001; ExAC 0.00001; TOPMed 0.00001.
gnomAD v4.1: 6 of 1,614,198 alleles (0.00037%); highest among the groups gnomAD compares: Admixed American, 0.0033%; no homozygotes.

Submissions (2):

Ambry Genetics
Classification: Uncertain significance for Inborn genetic diseases. Last evaluated: 2025-03-01. Review status: criteria provided, single submitter. Criteria: Ambry Variant Classification Scheme 2023. Collection method: clinical testing. Allele origin: germline.

Labcorp Genetics (formerly Invitae), Labcorp
Classification: Uncertain significance. Last evaluated: 2024-12-16. Review status: criteria provided, single submitter. Criteria: Invitae Variant Classification Sherloc (09022015). Collection method: clinical testing. Allele origin: germline.
Comment: This sequence change replaces leucine, which is neutral and non-polar, with phenylalanine, which is neutral and non-polar, at codon 1171 of the TTC37 protein (p.Leu1171Phe). This variant is present in population databases (rs775085096, gnomAD 0.003%). This variant has not been reported in the literature in individuals affected with TTC37-related conditions. ClinVar contains an entry for this variant (Variation ID: 1468136). An algorithm developed to predict the effect of missense changes on protein structure and function (PolyPhen-2) suggests that this variant is likely to be disruptive. In summary, the available evidence is currently insufficient to determine the role of this variant in disease. Therefore, it has been classified as a Variant of Uncertain Significance.